The following is an entry in ClinVar:

NM_001231.5(CASQ1):c.828+1G>T

Gene: CASQ1 (calsequestrin 1; plus strand). Cytogenetic location: 1q23.2.
Variant type: single nucleotide variant.
Coding change: c.828+1G>T on transcript NM_001231.5 (MANE Select); the canonical splice donor site of the intron after coding-DNA position 828, G replaced by T.
Molecular consequence: splice donor variant.
Genome position (GRCh38, 1-based): chr1:160,197,615, G>T. VCF-style: chr1-160197615-G-T. GRCh37 (hg19) VCF-style: chr1-160167405-G-T.
Identifiers: ClinVar variation 2822581 (VCV002822581.3), dbSNP rs761837270, ClinGen allele CA343259628.
Genomic context (GRCh38, chr1:160,197,615, plus strand): 5'-TCTGTCTCTTCTAGATCAACCCTGAGGAAACTGAAGCCGGAGAGTATGTATGAGACCTGG[G>T]TGAGTGCCCCTGGCCAGGGTCAAGCCCTCAGGGAAGCATGGGTGCCAGAAGACTCAAGTC-3'

ClinVar aggregate classification (germline): Uncertain significance (1 of 4 stars; one submission).

Submission:

Labcorp Genetics (formerly Invitae), Labcorp
Classification: Uncertain significance. Last evaluated: 2025-10-02. Review status: criteria provided, single submitter. Criteria: Invitae Variant Classification Sherloc (09022015). Collection method: clinical testing. Allele origin: germline.
Comment: This sequence change affects a donor splice site in intron 7 of the CASQ1 gene. It is expected to disrupt RNA splicing. Variants that disrupt the donor or acceptor splice site typically lead to a loss of protein function (PMID: 16199547), however the current clinical and genetic evidence is not sufficient to establish whether loss-of-function variants in CASQ1 cause disease. This variant is not present in population databases (gnomAD no frequency). This variant has not been reported in the literature in individuals affected with CASQ1-related conditions. ClinVar contains an entry for this variant (Variation ID: 2822581). Algorithms developed to predict the effect of sequence changes on RNA splicing suggest that this variant may disrupt the consensus splice site. In summary, the available evidence is currently insufficient to determine the role of this variant in disease. Therefore, it has been classified as a Variant of Uncertain Significance.

Literature cited by the submitters: PubMed 16199547.